The following is an entry in ClinVar:

ClinVar aggregate classification (germline): Uncertain significance (1 of 4 stars; one submission).

Conditions:
Nemaline myopathy 2 (NEM2). Also called: Nemaline myopathy 2, autosomal recessive. Identifiers: MedGen C1850569, MONDO:0009725, OMIM 256030.

Submission:

Labcorp Genetics (formerly Invitae), Labcorp
Classification: Uncertain significance for Nemaline myopathy 2. Last evaluated: 2022-10-04. Review status: criteria provided, single submitter. Criteria: Invitae Variant Classification Sherloc (09022015). Collection method: clinical testing. Allele origin: germline.
Comment: This variant is not present in population databases (gnomAD no frequency). This sequence change replaces alanine, which is neutral and non-polar, with proline, which is neutral and non-polar, at codon 4004 of the NEB protein (p.Ala4004Pro). In summary, the available evidence is currently insufficient to determine the role of this variant in disease. Therefore, it has been classified as a Variant of Uncertain Significance. Algorithms developed to predict the effect of missense changes on protein structure and function are either unavailable or do not agree on the potential impact of this missense change (SIFT: "Deleterious"; PolyPhen-2: "Not Available"; Align-GVGD: "Class C0"). This variant has not been reported in the literature in individuals affected with NEB-related conditions.

NM_001164508.2(NEB):c.12010G>C (p.Ala4004Pro)

Gene: NEB (nebulin; minus strand). Cytogenetic location: 2q23.3.
Variant type: single nucleotide variant.
Coding change: c.12010G>C on transcript NM_001164508.2 (MANE Select); coding-DNA position 12010, G replaced by C.
Protein change: p.Ala4004Pro; replaces alanine 4004 with proline.
Molecular consequence: missense variant.
Genome position (GRCh38, 1-based): chr2:151,610,524, C>G on the plus strand (G>C on the coding strand, the complement: NEB is on the minus strand). VCF-style: chr2-151610524-C-G. GRCh37 (hg19) VCF-style: chr2-152467038-C-G.
Other names: c.12010G>C, p.Ala4004Pro (NM_001164507.2, NM_001271208.2); c.11281G>C, p.Ala3761Pro (NM_004543.5); short protein forms A3761P, A4004P.
Identifiers: ClinVar variation 2001655 (VCV002001655.4), dbSNP rs750705899, ClinGen allele CA348778008.